The following is an entry in ClinVar:

NM_007294.4(BRCA1):c.42C>A (p.Val14=)

Gene: BRCA1 (BRCA1 DNA repair associated; minus strand). Cytogenetic location: 17q21.31.
Variant type: single nucleotide variant.
Coding change: c.42C>A on transcript NM_007294.4 (MANE Select); coding-DNA position 42, C replaced by A.
Protein change: p.Val14=; no amino-acid change (valine 14 retained).
Molecular consequence: synonymous variant. On other transcripts: 5 prime UTR variant (136), intron variant (36).
Genome position (GRCh38, 1-based): chr17:43,124,055, G>T on the plus strand (C>A on the coding strand, the complement: BRCA1 is on the minus strand). VCF-style: chr17-43124055-G-T. GRCh37 (hg19) VCF-style: chr17-41276072-G-T.
Other names: V14V; 161C>A; c.-147C>A (NM_001407571.1, NM_001407853.1, NM_001407879.1 and 46 more transcripts); c.42C>A, p.Val14= (NM_001407581.1, NM_001407582.1, NM_001407583.1 and 193 more transcripts); c.-216C>A (NM_001407694.1, NM_001407724.1, NM_001407727.1 and 11 more transcripts); c.-220C>A (NM_001407695.1, NM_001408465.1); c.-361C>A (NM_001407696.1); c.-245C>A (NM_001407697.1, NM_001407846.1, NM_001407920.1); and 25 more.
Identifiers: ClinVar variation 37583 (VCV000037583.17), dbSNP rs80356827, ClinGen allele CA002756.

ClinVar aggregate classification (germline): Likely benign. Review status: reviewed by expert panel (3 of 4 stars). 5 submissions from 5 submitters: Likely benign (1). 4 of the submissions do not count toward it. Last evaluated 2017-06-29.

Conditions:
Hereditary cancer-predisposing syndrome. Also called: Tumor predisposition; Neoplastic Syndromes, Hereditary; Hereditary Cancer Syndrome; Hereditary neoplastic syndrome. Identifiers: Orphanet 140162, MedGen C0027672, MeSH D009386, MONDO:0015356.
Hereditary breast ovarian cancer syndrome. Also called: Hereditary breast and ovarian cancer syndrome (HBOC); Hereditary breast and ovarian cancer syndrome; Hereditary breast and ovarian cancer; Hereditary breast and/or ovarian cancer syndrome; Breast and ovarian cancer; BRCA1- and BRCA2-Associated Hereditary Breast and Ovarian Cancer. Identifiers: Orphanet 145, MedGen C0677776, MeSH D061325, MONDO:0003582. Disease mechanism: loss of function.
Breast-ovarian cancer, familial, susceptibility to, 1 (BROVCA1). Also called: OVARIAN CANCER, SUSCEPTIBILITY TO; BRCA1 Hereditary Breast and Ovarian Cancer. Identifiers: Orphanet 145, MedGen C2676676, MONDO:0011450, OMIM 604370. Disease mechanism: loss of function.

Submissions (7):

Evidence-based Network for the Interpretation of Germline Mutant Alleles (ENIGMA)
Classification: Likely benign for Breast-ovarian cancer, familial, susceptibility to, 1. Last evaluated: 2017-06-29. Review status: reviewed by expert panel. Criteria: ENIGMA BRCA1/2 Classification Criteria (2017-06-29). Collection method: curation. Allele origin: germline.
Comment: Synonymous substitution variant, with low bioinformatic likelihood to result in a splicing aberration (Splicing prior probability 0.02).

Labcorp Genetics (formerly Invitae), Labcorp
Classification: Likely benign for Hereditary breast ovarian cancer syndrome. Last evaluated: 2023-10-15. Review status: criteria provided, single submitter. Criteria: Invitae Variant Classification Sherloc (09022015). Collection method: clinical testing. Allele origin: germline. Not counted in ClinVar's aggregate classification.

Ambry Genetics
Classification: Likely benign for Hereditary cancer-predisposing syndrome. Last evaluated: 2020-11-06. Review status: criteria provided, single submitter. Criteria: Ambry Variant Classification Scheme 2023. Collection method: clinical testing. Allele origin: germline. Not counted in ClinVar's aggregate classification.

Sharing Clinical Reports Project (SCRP)
Classification: Likely benign for Breast-ovarian cancer, familial 1. Last evaluated: 2009-02-17. Review status: no assertion criteria provided. Collection method: clinical testing. Allele origin: germline. Not counted in ClinVar's aggregate classification.

Breast Cancer Information Core (BIC) (BRCA1)
Classification: Uncertain significance for Breast-ovarian cancer, familial 1. Last evaluated: 2003-12-23. Review status: no assertion criteria provided. Collection method: clinical testing. Allele origin: germline. Affected: yes. Observed: 1 variant allele. Not counted in ClinVar's aggregate classification.

Brotman Baty Institute, University of Washington
No classification provided (evidence only). Condition: Breast-ovarian cancer, familial 1. Review status: no classification provided. Collection method: in vitro. Allele origin: not applicable. Functional consequence: functionally_normal. Not counted in ClinVar's aggregate classification.
ClinVar note: "not provided" was previously submitted as the classification for the variant. However, the classification appeared to be based only on an observation of functional data so it was converted to no classification on 2025-07-30.

Dr. Peter K. Rogan Lab, Western University
No classification provided (evidence only). Condition: Ovarian serous cystadenocarcinoma. Review status: no classification provided. Collection method: in vitro. Allele origin: not applicable. Functional consequence: retained intron. Not counted in ClinVar's aggregate classification.

Literature cited by the submitters: PubMed 30209399 (cited by Ambry Genetics).